The following is an entry in ClinVar:

ClinVar aggregate classification (germline): Likely benign (1 of 4 stars; one submission).

Conditions:
Pheochromocytoma/paraganglioma syndrome 5. Also called: Paragangliomas 5; SDHA-Related Hereditary Paraganglioma-Pheochromocytoma Syndrome. Identifiers: Orphanet 29072, MedGen C3279992, MONDO:0013602, OMIM 614165.

Submission:

Myriad Genetics, Inc.
Classification: Likely benign for Pheochromocytoma/paraganglioma syndrome 5. Last evaluated: 2025-03-10. Review status: criteria provided, single submitter. Criteria: Myriad Autosomal Dominant, Autosomal Recessive and X-Linked Classification Criteria (2023). Collection method: clinical testing. Allele origin: unknown.
Comment: This variant is considered likely benign. This variant is intronic and is not expected to impact mRNA splicing.

NM_004168.4(SDHA):c.1433-20C>T

Gene: SDHA (succinate dehydrogenase complex flavoprotein subunit A; plus strand). Cytogenetic location: 5p15.33.
Variant type: single nucleotide variant.
Coding change: c.1433-20C>T on transcript NM_004168.4 (MANE Select); 20 bases into the intron before coding-DNA position 1433, C replaced by T.
Molecular consequence: intron variant.
Genome position (GRCh38, 1-based): chr5:240,338, C>T. VCF-style: chr5-240338-C-T. GRCh37 (hg19) VCF-style: chr5-240453-C-T.
Other names: c.1433-20C>T (NM_001330758.2); c.1289-20C>T (NM_001294332.2).
Identifiers: ClinVar variation 3904648 (VCV003904648.1).